The following is an entry in ClinVar:

NM_004364.5(CEBPA):c.14A>C (p.Asp5Ala)

Genes: CEBPA (CCAAT enhancer binding protein alpha; minus strand), LOC130064183 (ATAC-STARR-seq lymphoblastoid silent region 10495; plus strand). Cytogenetic location: 19q13.11.
Variant type: single nucleotide variant.
Coding change: c.14A>C on transcript NM_004364.5 (MANE Select); coding-DNA position 14, A replaced by C.
Protein change: p.Asp5Ala; replaces aspartic acid 5 with alanine.
Molecular consequence: missense variant. On other transcripts: 5 prime UTR variant (2).
Genome position (GRCh38, 1-based): chr19:33,302,401, T>G on the plus strand (A>C on the coding strand, the complement: CEBPA is on the minus strand). VCF-style: chr19-33302401-T-G. GRCh37 (hg19) VCF-style: chr19-33793307-T-G.
Other names: c.-344A>C (NM_001285829.2); c.119A>C, p.Asp40Ala (NM_001287424.2); c.-29A>C (NM_001287435.2); c.14A>C (NM_004364.3); short protein forms D5A, D40A.
Identifiers: ClinVar variation 456671 (VCV000456671.10), dbSNP rs1555742334, ClinGen allele CA405275866.

ClinVar aggregate classification (germline): Uncertain significance. Review status: criteria provided, multiple submitters, no conflicts (2 of 4 stars). 2 submissions from 2 submitters: Uncertain significance (2). Last evaluated 2024-11-18.

Conditions:
Inborn genetic diseases. Identifiers: MedGen C0950123, MeSH D030342.
Acute myeloid leukemia (AML). Also called: Leukemia, acute myeloid, somatic; Leukemia, acute myelogenous, somatic; Acute myeloid leukemia, adult; AML adult; Acute non-lymphocytic leukemia; Acute granulocytic leukemia. Identifiers: Orphanet 519, MedGen C0023467, MeSH D015470, MONDO:0018874, OMIM 601626, HP:0004808. Disease mechanism: Constitutively activated FLT3.

Allele frequency attached by ClinVar (database versions not stated): gnomAD exomes below 0.00001.

Submissions (2):

Ambry Genetics
Classification: Uncertain significance for Inborn genetic diseases. Last evaluated: 2024-11-18. Review status: criteria provided, single submitter. Criteria: Ambry Variant Classification Scheme 2023. Collection method: clinical testing. Allele origin: germline.
Comment: The p.D5A variant (also known as c.14A>C), located in coding exon 1 of the CEBPA gene, results from an A to C substitution at nucleotide position 14. The aspartic acid at codon 5 is replaced by alanine, an amino acid with dissimilar properties. This amino acid position is conserved. In addition, this alteration is predicted to be tolerated by in silico analysis. Based on the available evidence, the clinical significance of this variant remains unclear.

Labcorp Genetics (formerly Invitae), Labcorp
Classification: Uncertain significance for Acute myeloid leukemia. Last evaluated: 2023-01-25. Review status: criteria provided, single submitter. Criteria: Invitae Variant Classification Sherloc (09022015). Collection method: clinical testing. Allele origin: germline.
Comment: This sequence change replaces aspartic acid, which is acidic and polar, with alanine, which is neutral and non-polar, at codon 5 of the CEBPA protein (p.Asp5Ala). This variant is not present in population databases (gnomAD no frequency). This variant has not been reported in the literature in individuals affected with CEBPA-related conditions. ClinVar contains an entry for this variant (Variation ID: 456671). Algorithms developed to predict the effect of missense changes on protein structure and function (SIFT, PolyPhen-2, Align-GVGD) all suggest that this variant is likely to be tolerated. In summary, the available evidence is currently insufficient to determine the role of this variant in disease. Therefore, it has been classified as a Variant of Uncertain Significance.